The following is an entry in ClinVar:

NM_000368.5(TSC1):c.2713T>A (p.Ser905Thr)

Gene: TSC1 (TSC complex subunit 1; minus strand). Cytogenetic location: 9q34.13.
Variant type: single nucleotide variant.
Coding change: c.2713T>A on transcript NM_000368.5 (MANE Select); coding-DNA position 2713, T replaced by A.
Protein change: p.Ser905Thr; replaces serine 905 with threonine.
Molecular consequence: missense variant.
Genome position (GRCh38, 1-based): chr9:132,897,523, A>T on the plus strand (T>A on the coding strand, the complement: TSC1 is on the minus strand). VCF-style: chr9-132897523-A-T. GRCh37 (hg19) VCF-style: chr9-135772910-A-T.
Other names: c.2710T>A, p.Ser904Thr (NM_001162426.2, NM_001406597.1, NM_001406598.1 and 2 more transcripts); c.2560T>A, p.Ser854Thr (NM_001162427.2, NM_001406610.1); c.2350T>A, p.Ser784Thr (NM_001362177.2, NM_001406614.1, NM_001406615.1 and 4 more transcripts); c.2713T>A, p.Ser905Thr (NM_001406592.1, NM_001406593.1, NM_001406594.1 and 2 more transcripts); c.2698T>A, p.Ser900Thr (NM_001406601.1, NM_001406602.1); c.2695T>A, p.Ser899Thr (NM_001406603.1, NM_001406604.1); c.2671T>A, p.Ser891Thr (NM_001406605.1, NM_001406606.1, NM_001406607.1); c.2668T>A, p.Ser890Thr (NM_001406608.1, NM_001406609.1); and 8 more; short protein forms S854T, S899T, S587T, S769T, S783T, S891T, S904T, S554T.
Identifiers: ClinVar variation 1795097 (VCV001795097.2), dbSNP rs2131635180, ClinGen allele CA375369378.

ClinVar aggregate classification (germline): Uncertain significance (1 of 4 stars; one submission).

Conditions:
Hereditary cancer-predisposing syndrome. Also called: Tumor predisposition; Hereditary Cancer Syndrome; Neoplastic Syndromes, Hereditary; Hereditary neoplastic syndrome. Identifiers: Orphanet 140162, MedGen C0027672, MeSH D009386, MONDO:0015356.

Submission:

Ambry Genetics
Classification: Uncertain significance for Hereditary cancer-predisposing syndrome. Last evaluated: 2022-07-29. Review status: criteria provided, single submitter. Criteria: Ambry Variant Classification Scheme 2023. Collection method: clinical testing. Allele origin: germline.
Comment: The p.S905T variant (also known as c.2713T>A), located in coding exon 19 of the TSC1 gene, results from a T to A substitution at nucleotide position 2713. The serine at codon 905 is replaced by threonine, an amino acid with similar properties. This amino acid position is conserved. In addition, this alteration is predicted to be tolerated by in silico analysis. Since supporting evidence is limited at this time, the clinical significance of this alteration remains unclear.